The following is an entry in ClinVar:

ClinVar aggregate classification (germline): Benign/Likely benign. Review status: criteria provided, multiple submitters, no conflicts (2 of 4 stars). 7 submissions from 7 submitters: Benign (5); Likely benign (2). Last evaluated 2026-01-25.

Conditions:
Familial thoracic aortic aneurysm and aortic dissection (TAAD). Also called: Thoracic aortic aneurysms and dissections. Identifiers: Orphanet 91387, MedGen C4707243, MONDO:0019625.
Congenital contractural arachnodactyly (CCA). Also called: Beals-Hecht syndrome; Arthrogryposis, distal, type 9; BEALS SYNDROME. Identifiers: Orphanet 115, MedGen C0220668, MONDO:0007363, OMIM 121050.

Allele frequency attached by ClinVar (database versions not stated): TOPMed 0.00011; gnomAD 0.00022.
gnomAD v4.1: 91 of 1,613,834 alleles (0.0056%); highest among the groups gnomAD compares: East Asian, 0.06%; 1 homozygote.

Submissions (7):

Labcorp Genetics (formerly Invitae), Labcorp
Classification: Benign for Congenital contractural arachnodactyly. Last evaluated: 2026-01-25. Review status: criteria provided, single submitter. Criteria: Invitae Variant Classification Sherloc (09022015). Collection method: clinical testing. Allele origin: germline.

Blueprint Genetics
Classification: Likely benign. Last evaluated: 2024-11-20. Review status: criteria provided, single submitter. Criteria: ACMG Guidelines, 2015. Collection method: clinical testing. Allele origin: germline.

ARUP Laboratories, Molecular Genetics and Genomics, ARUP Laboratories
Classification: Benign. Last evaluated: 2023-09-14. Review status: criteria provided, single submitter. Criteria: ARUP Molecular Germline Variant Investigation Process 2024. Collection method: clinical testing. Allele origin: germline.

Ambry Genetics
Classification: Benign for Familial thoracic aortic aneurysm and aortic dissection. Last evaluated: 2021-05-18. Review status: criteria provided, single submitter. Criteria: Ambry Variant Classification Scheme 2023. Collection method: clinical testing. Allele origin: germline.

Illumina Laboratory Services, Illumina
Classification: Benign for Congenital contractural arachnodactyly. Last evaluated: 2018-01-12. Review status: criteria provided, single submitter. Criteria: ICSL Variant Classification Criteria 13 December 2019. Collection method: clinical testing. Allele origin: germline.
Comment: This variant was observed in the ICSL laboratory as part of a predisposition screen in an ostensibly healthy population. It had not been previously curated by ICSL or reported in the Human Gene Mutation Database (HGMD: prior to June 1st, 2018), and was therefore a candidate for classification through an automated scoring system. Utilizing variant allele frequency, disease prevalence and penetrance estimates, and inheritance mode, an automated score was calculated to assess if this variant is too frequent to cause the disease. Based on the score and internal cut-off values, a variant classified as benign is not then subjected to further curation. The score for this variant resulted in a classification of benign for this disease.

GeneDx
Classification: Benign. Last evaluated: 2014-02-02. Review status: criteria provided, single submitter. Criteria: GeneDx Variant Classification (06012015). Collection method: clinical testing. Allele origin: germline. Affected: yes.
Comment: This variant is considered likely benign or benign based on one or more of the following criteria: it is a conservative change, it occurs at a poorly conserved position in the protein, it is predicted to be benign by multiple in silico algorithms, and/or has population frequency not consistent with disease.

PreventionGenetics, part of Exact Sciences
Classification: Likely benign. Review status: criteria provided, single submitter. Criteria: ACMG Guidelines, 2015. Collection method: clinical testing. Allele origin: germline.

NM_001999.4(FBN2):c.6840G>T (p.Pro2280=)

Gene: FBN2 (fibrillin 2; minus strand). Cytogenetic location: 5q23.3.
Variant type: single nucleotide variant.
Coding change: c.6840G>T on transcript NM_001999.4 (MANE Select); coding-DNA position 6840, G replaced by T.
Protein change: p.Pro2280=; no amino-acid change (proline 2280 retained).
Molecular consequence: synonymous variant.
Genome position (GRCh38, 1-based): chr5:128,287,348, C>A on the plus strand (G>T on the coding strand, the complement: FBN2 is on the minus strand). VCF-style: chr5-128287348-C-A. GRCh37 (hg19) VCF-style: chr5-127623040-C-A.
Other names: p.P2280P:CCG>CCT.
Identifiers: ClinVar variation 137346 (VCV000137346.27), dbSNP rs377742525, ClinGen allele CA290888.